The following is an entry in ClinVar:

ClinVar aggregate classification (germline): Uncertain significance (1 of 4 stars; one submission).

Conditions:
Zellweger spectrum disorders (ZS). Also called: Zellweger Spectrum Disorder; Zellweger Spectrum; Zellweger Spectrum Disorder (ZSD); Zellweger syndrome. Identifiers: Orphanet 912, MedGen C0043459, MONDO:0019609.

Allele frequency attached by ClinVar (database versions not stated): gnomAD exomes below 0.00001.
gnomAD v4.1: 1 of 1,614,146 alleles (0.000062%); highest among the groups gnomAD compares: East Asian, 0.0022%; no homozygotes.

Submission:

Labcorp Genetics (formerly Invitae), Labcorp
Classification: Uncertain significance for Zellweger spectrum disorders. Last evaluated: 2022-07-26. Review status: criteria provided, single submitter. Criteria: Invitae Variant Classification Sherloc (09022015). Collection method: clinical testing. Allele origin: germline.
Comment: This sequence change affects codon 1206 of the PEX1 mRNA. It is a 'silent' change, meaning that it does not change the encoded amino acid sequence of the PEX1 protein. This variant is not present in population databases (gnomAD no frequency). This variant has not been reported in the literature in individuals affected with PEX1-related conditions. Algorithms developed to predict the effect of sequence changes on RNA splicing suggest that this variant may disrupt the consensus splice site. In summary, the available evidence is currently insufficient to determine the role of this variant in disease. Therefore, it has been classified as a Variant of Uncertain Significance.

NM_000466.3(PEX1):c.3618A>G (p.Arg1206=)

Genes: GATAD1 (GATA zinc finger domain containing 1; plus strand), PEX1 (peroxisomal biogenesis factor 1; minus strand). Cytogenetic location: 7q21.2.
Variant type: single nucleotide variant.
Coding change: c.3618A>G on transcript NM_000466.3 (MANE Select); coding-DNA position 3618, A replaced by G.
Protein change: p.Arg1206=; no amino-acid change (arginine 1206 retained).
Molecular consequence: synonymous variant.
Genome position (GRCh38, 1-based): chr7:92,489,732, T>C on the plus strand (A>G on the coding strand, the complement: PEX1 is on the minus strand). VCF-style: chr7-92489732-T-C. GRCh37 (hg19) VCF-style: chr7-92119046-T-C.
Other names: c.3447A>G, p.Arg1149= (NM_001282677.2); c.2994A>G, p.Arg998= (NM_001282678.2).
Identifiers: ClinVar variation 2019770 (VCV002019770.1), dbSNP rs2484612519, ClinGen allele CA456480405.